The following is an entry in ClinVar:

ClinVar aggregate classification (germline): Uncertain significance. Review status: criteria provided, multiple submitters, no conflicts (2 of 4 stars). 2 submissions from 2 submitters: Uncertain significance (2). Last evaluated 2024-10-25.

Allele frequency attached by ClinVar (database versions not stated): ExAC 0.00002; gnomAD 0.00002; TOPMed 0.00003; ESP Exome Variant Server 0.00008.
gnomAD v4.1: 70 of 1,610,986 alleles (0.0043%); highest among the groups gnomAD compares: Non-Finnish European, 0.0053%; no homozygotes.

Submissions (2):

Blueprint Genetics
Classification: Uncertain significance. Last evaluated: 2024-10-25. Review status: criteria provided, single submitter. Criteria: ACMG Guidelines, 2015. Collection method: clinical testing. Allele origin: germline.

GeneDx
Classification: Uncertain significance. Last evaluated: 2022-02-25. Review status: criteria provided, single submitter. Criteria: GeneDx Variant Classification Process June 2021. Collection method: clinical testing. Allele origin: germline. Affected: yes.
Comment: In silico analysis supports that this missense variant does not alter protein structure/function; Has not been previously published as pathogenic or benign to our knowledge

NM_031475.3(ESPN):c.2065G>A (p.Asp689Asn)

Gene: ESPN (espin; plus strand). Cytogenetic location: 1p36.31.
Variant type: single nucleotide variant.
Coding change: c.2065G>A on transcript NM_031475.3 (MANE Select); coding-DNA position 2065, G replaced by A.
Protein change: p.Asp689Asn; replaces aspartic acid 689 with asparagine.
Molecular consequence: missense variant.
Genome position (GRCh38, 1-based): chr1:6,451,836, G>A. VCF-style: chr1-6451836-G-A. GRCh37 (hg19) VCF-style: chr1-6511896-G-A.
Other names: c.1975G>A, p.Asp659Asn (NM_001367473.1); c.2002G>A, p.Asp668Asn (NM_001367474.1); short protein forms D659N, D668N, D689N.
Identifiers: ClinVar variation 1703473 (VCV001703473.3), dbSNP rs370178224, ClinGen allele CA560379.